The following is an entry in ClinVar:

NM_000038.6(APC):c.729+2220T>C

Gene: APC (APC regulator of WNT signaling pathway; plus strand). Cytogenetic location: 5q22.2.
Variant type: single nucleotide variant.
Coding change: c.729+2220T>C on transcript NM_000038.6 (MANE Select); 2220 bases into the intron after coding-DNA position 729, T replaced by C.
Molecular consequence: intron variant.
Genome position (GRCh38, 1-based): chr5:112,794,749, T>C. VCF-style: chr5-112794749-T-C. GRCh37 (hg19) VCF-style: chr5-112130446-T-C.
Other names: c.759+2220T>C (NM_001354897.2, NM_001354902.2); c.676-6530T>C (NM_001127511.3); c.729+2220T>C (NM_001127510.3, NM_001354896.2, NM_001354903.2 and 1 more transcripts); c.654+2220T>C (NM_001354898.2, NM_001354904.2); c.-307+2220T>C (NM_001354906.2); c.646-6530T>C (NM_001354899.2); c.552+2220T>C (NM_001354900.2, NM_001354901.2, NM_001354905.2).
Identifiers: ClinVar variation 83015 (VCV000083015.2), dbSNP rs76128889, ClinGen allele CA013122.

ClinVar aggregate classification (germline): other (0 of 4 stars; one submission).

Conditions:
Familial colorectal cancer. Identifiers: MedGen CN280943, MONDO:0023113. Disease mechanism: loss of function.

Allele frequency attached by ClinVar (database versions not stated): gnomAD 0.00108 and 0.00116; TOPMed 0.00124; 1000 Genomes Project 30x 0.00203; 1000 Genomes Project 0.00319.
gnomAD v4.1: 162 of 152,292 alleles (0.11%); highest among the groups gnomAD compares: African/African-American, 0.38%; 1 homozygote.

Submission:

Systems Biology Platform Zhejiang California International NanoSystems Institute
Classification: other for Familial colorectal cancer. Review status: no assertion criteria provided. Collection method: not provided. Allele origin: unknown.
ClinVar note: Converted during submission from cancer to other.